The following is an entry in ClinVar:

NM_002474.3(MYH11):c.3735G>C (p.Gln1245His)

Gene: MYH11 (myosin heavy chain 11; minus strand). Cytogenetic location: 16p13.11.
Variant type: single nucleotide variant.
Coding change: c.3735G>C on transcript NM_002474.3 (MANE Select); coding-DNA position 3735, G replaced by C.
Protein change: p.Gln1245His; replaces glutamine 1245 with histidine.
Molecular consequence: missense variant.
Genome position (GRCh38, 1-based): chr16:15,726,971, C>G on the plus strand (G>C on the coding strand, the complement: MYH11 is on the minus strand). VCF-style: chr16-15726971-C-G. GRCh37 (hg19) VCF-style: chr16-15820828-C-G.
Other names: c.3756G>C, p.Gln1252His (NM_001040113.2, NM_001040114.2); c.3735G>C, p.Gln1245His (NM_022844.3); short protein forms Q1252H, Q1245H.
Identifiers: ClinVar variation 924829 (VCV000924829.4), dbSNP rs2040796253, ClinGen allele CA394860178.
Genomic context (GRCh38, chr16:15,726,971, plus strand): 5'-CTGCAGCTCCTGCACCTGCGCCTCCAGCTTCTTCTTCTTATGTTCCACCTCCTGCTTGGC[C>G]TGGCCCAGGACCCGCAGCTCCCCGGCCAGGTCTGCGTTCTCTTTCTCCAGCGTCTGCTTA-3'
Protein context (NP_002465.1, residues 1235-1255): DLAGELRVLG[Gln1245His]AKQEVEHKKK

ClinVar aggregate classification (germline): Uncertain significance (1 of 4 stars; one submission).

Conditions:
Familial thoracic aortic aneurysm and aortic dissection (TAAD). Also called: Thoracic aortic aneurysms and dissections. Identifiers: Orphanet 91387, MedGen C4707243, MONDO:0019625.

Submission:

Color Diagnostics, LLC DBA Color Health
Classification: Uncertain significance for Familial thoracic aortic aneurysm and aortic dissection. Last evaluated: 2024-03-06. Review status: criteria provided, single submitter. Criteria: ACMG Guidelines, 2015. Collection method: clinical testing. Allele origin: germline.
Comment: This missense variant replaces glutamine with histidine at codon 1252 of the MYH11 protein. Computational prediction is inconclusive regarding the impact of this variant on protein structure and function (internally defined REVEL score threshold 0.5 < inconclusive < 0.7, PMID: 27666373). Splice site prediction tools suggest that this variant may not impact RNA splicing. To our knowledge, functional studies have not been performed for this variant. This variant has not been reported in individuals affected with cardiovascular disorders in the literature. This variant has not been identified in the general population by the Genome Aggregation Database (gnomAD). The available evidence is insufficient to determine the role of this variant in disease conclusively. Therefore, this variant is classified as a Variant of Uncertain Significance.